The following is an entry in ClinVar:

ClinVar aggregate classification (germline): Uncertain significance (1 of 4 stars; one submission).

Conditions:
Agammaglobulinemia 3, autosomal recessive (AGM3). Also called: AGAMMAGLOBULINEMIA 3; AGAMMAGLOBULINEMIA, AUTOSOMAL RECESSIVE, DUE TO CD79A DEFECT. Identifiers: MedGen C3150751, MONDO:0013288, OMIM 613501.

Allele frequency attached by ClinVar (database versions not stated): gnomAD exomes 0.00004; ExAC 0.00006; ESP Exome Variant Server 0.00015; gnomAD 0.00021 and 0.00024; TOPMed 0.00023.
gnomAD v4.1: 61 of 1,613,428 alleles (0.0038%); highest among the groups gnomAD compares: African/African-American, 0.076%; no homozygotes.

Submission:

Labcorp Genetics (formerly Invitae), Labcorp
Classification: Uncertain significance for Agammaglobulinemia 3, autosomal recessive. Last evaluated: 2022-07-12. Review status: criteria provided, single submitter. Criteria: Invitae Variant Classification Sherloc (09022015). Collection method: clinical testing. Allele origin: germline.
Comment: This sequence change replaces serine, which is neutral and polar, with leucine, which is neutral and non-polar, at codon 114 of the CD79A protein (p.Ser114Leu). This variant is present in population databases (rs145895409, gnomAD 0.06%). This variant has not been reported in the literature in individuals affected with CD79A-related conditions. ClinVar contains an entry for this variant (Variation ID: 937949). Algorithms developed to predict the effect of missense changes on protein structure and function (SIFT, PolyPhen-2, Align-GVGD) all suggest that this variant is likely to be tolerated. In summary, the available evidence is currently insufficient to determine the role of this variant in disease. Therefore, it has been classified as a Variant of Uncertain Significance.

NM_001783.4(CD79A):c.341C>T (p.Ser114Leu)

Genes: CD79A (CD79a molecule; plus strand), RPS19-CD79A (RPS19-CD79A readthrough; plus strand). Cytogenetic location: 19q13.2.
Variant type: single nucleotide variant.
Coding change: c.341C>T on transcript NM_001783.4 (MANE Select); coding-DNA position 341, C replaced by T.
Protein change: p.Ser114Leu; replaces serine 114 with leucine.
Molecular consequence: missense variant. On other transcripts: intron variant (1).
Genome position (GRCh38, 1-based): chr19:41,879,251, C>T. VCF-style: chr19-41879251-C-T. GRCh37 (hg19) VCF-style: chr19-42383321-C-T.
Other names: c.265+76C>T (NM_021601.4); short protein forms S114L.
Identifiers: ClinVar variation 937949 (VCV000937949.7), dbSNP rs145895409, ClinGen allele CA9465561.